The following is an entry in ClinVar:

ClinVar aggregate classification (germline): Uncertain significance (1 of 4 stars; one submission).

Conditions:
Peroxisome biogenesis disorder. Identifiers: Orphanet 79189, MedGen C1832200, MONDO:0019234. Disease mechanism: loss of function.

Allele frequency attached by ClinVar (database versions not stated): gnomAD exomes below 0.00001.
gnomAD v4.1: 1 of 1,613,584 alleles (0.000062%); highest among the groups gnomAD compares: Non-Finnish European, 0.000085%; no homozygotes.

Submission:

Labcorp Genetics (formerly Invitae), Labcorp
Classification: Uncertain significance for Peroxisome biogenesis disorder. Last evaluated: 2025-11-02. Review status: criteria provided, single submitter. Criteria: Invitae Variant Classification Sherloc (09022015). Collection method: clinical testing. Allele origin: germline.
Comment: This sequence change replaces serine, which is neutral and polar, with cysteine, which is neutral and slightly polar, at codon 818 of the PEX6 protein (p.Ser818Cys). This variant is not present in population databases (gnomAD no frequency). This variant has not been reported in the literature in individuals affected with PEX6-related conditions. ClinVar contains an entry for this variant (Variation ID: 1720494). Invitae Evidence Modeling of protein sequence and biophysical properties (such as structural, functional, and spatial information, amino acid conservation, physicochemical variation, residue mobility, and thermodynamic stability) indicates that this missense variant is expected to disrupt PEX6 protein function with a positive predictive value of 95%. In summary, the available evidence is currently insufficient to determine the role of this variant in disease. Therefore, it has been classified as a Variant of Uncertain Significance.

NM_000287.4(PEX6):c.2453C>G (p.Ser818Cys)

Gene: PEX6 (peroxisomal biogenesis factor 6; minus strand). Cytogenetic location: 6p21.1.
Variant type: single nucleotide variant.
Coding change: c.2453C>G on transcript NM_000287.4 (MANE Select); coding-DNA position 2453, C replaced by G.
Protein change: p.Ser818Cys; replaces serine 818 with cysteine.
Molecular consequence: missense variant. On other transcripts: non-coding transcript variant (1).
Genome position (GRCh38, 1-based): chr6:42,965,699, G>C on the plus strand (C>G on the coding strand, the complement: PEX6 is on the minus strand). VCF-style: chr6-42965699-G-C. GRCh37 (hg19) VCF-style: chr6-42933437-G-C.
Other names: c.2189C>G, p.Ser730Cys (NM_001316313.2); short protein forms S730C, S818C.
Identifiers: ClinVar variation 1720494 (VCV001720494.6), dbSNP rs1769763491, ClinGen allele CA364151338.